The following is an entry in ClinVar:

ClinVar aggregate classification (germline): Benign. Review status: criteria provided, multiple submitters, no conflicts (2 of 4 stars). 4 submissions from 4 submitters: Benign (3). 1 of the submissions does not count toward it. Last evaluated 2026-01-27.

Conditions:
COG4-related disorder. Also called: COG4-related condition.
COG4-congenital disorder of glycosylation. Also called: COG4-CDG; CONGENITAL DISORDER OF GLYCOSYLATION, TYPE IIj; CDG IIj. Identifiers: Orphanet 263501, MedGen C4303552, MONDO:0013281, OMIM 613489.

Allele frequency attached by ClinVar (database versions not stated): gnomAD exomes 0.03255; ExAC 0.03919; gnomAD 0.11989; 1000 Genomes Project 0.12420; TOPMed 0.13515; ESP Exome Variant Server 0.13566; 1000 Genomes Project 30x 0.13570.
gnomAD v4.1: 37,643 of 1,609,788 alleles (2.3%); highest among the groups gnomAD compares: African/African-American, 42%; 6,841 homozygotes.

Submissions (12):

Labcorp Genetics (formerly Invitae), Labcorp
Classification: Benign for COG4-congenital disorder of glycosylation. Last evaluated: 2026-01-27. Review status: criteria provided, single submitter. Criteria: Invitae Variant Classification Sherloc (09022015). Collection method: clinical testing. Allele origin: germline.

GeneDx
Classification: Benign. Last evaluated: 2015-12-22. Review status: criteria provided, single submitter. Criteria: GeneDx Variant Classification (06012015). Collection method: clinical testing. Allele origin: germline. Affected: yes.
Comment: This variant is considered likely benign or benign based on one or more of the following criteria: it is a conservative change, it occurs at a poorly conserved position in the protein, it is predicted to be benign by multiple in silico algorithms, and/or has population frequency not consistent with disease.

Breakthrough Genomics
Classification: Benign. Review status: criteria provided, single submitter. Criteria: ACMG Guidelines, 2015. Collection method: not provided. Allele origin: germline. Inheritance: Autosomal recessive inheritance. Affected: yes.

PreventionGenetics, part of Exact Sciences
Classification: Benign for COG4-related condition. Last evaluated: 2019-05-08. Review status: no assertion criteria provided. Collection method: clinical testing. Allele origin: germline. Not counted in ClinVar's aggregate classification.
Comment: This variant is classified as benign based on ACMG/AMP sequence variant interpretation guidelines (Richards et al. 2015 PMID: 25741868, with internal and published modifications).

Dr. Peter K. Rogan Lab, Western University
No classification provided (evidence only). Condition: Acute myeloid leukemia. Review status: no classification provided. Collection method: in vitro. Allele origin: not applicable. Functional consequence: retained intron. Not counted in ClinVar's aggregate classification.

Dr. Peter K. Rogan Lab, Western University
No classification provided (evidence only). Condition: Acute myeloid leukemia. Review status: no classification provided. Collection method: in vitro. Allele origin: not applicable. Functional consequence: retained intron. Not counted in ClinVar's aggregate classification.

Dr. Peter K. Rogan Lab, Western University
No classification provided (evidence only). Condition: Thymoma. Review status: no classification provided. Collection method: in vitro. Allele origin: not applicable. Functional consequence: retained intron. Not counted in ClinVar's aggregate classification.

Dr. Peter K. Rogan Lab, Western University
No classification provided (evidence only). Condition: Ovarian serous cystadenocarcinoma. Review status: no classification provided. Collection method: in vitro. Allele origin: not applicable. Functional consequence: retained intron. Not counted in ClinVar's aggregate classification.

Dr. Peter K. Rogan Lab, Western University
No classification provided (evidence only). Condition: Gastric cancer. Review status: no classification provided. Collection method: in vitro. Allele origin: not applicable. Functional consequence: retained intron. Not counted in ClinVar's aggregate classification.

Dr. Peter K. Rogan Lab, Western University
No classification provided (evidence only). Condition: Gastric cancer. Review status: no classification provided. Collection method: in vitro. Allele origin: not applicable. Functional consequence: retained intron. Not counted in ClinVar's aggregate classification.

Dr. Peter K. Rogan Lab, Western University
No classification provided (evidence only). Condition: Malignant tumor of esophagus. Review status: no classification provided. Collection method: in vitro. Allele origin: not applicable. Functional consequence: retained intron. Not counted in ClinVar's aggregate classification.

Dr. Peter K. Rogan Lab, Western University
No classification provided (evidence only). Condition: Malignant tumor of esophagus. Review status: no classification provided. Collection method: in vitro. Allele origin: not applicable. Functional consequence: retained intron. Not counted in ClinVar's aggregate classification.

NM_015386.3(COG4):c.739-9C>G

Gene: COG4 (component of oligomeric golgi complex 4; minus strand). Cytogenetic location: 16q22.1.
Variant type: single nucleotide variant.
Coding change: c.739-9C>G on transcript NM_015386.3 (MANE Select); 9 bases into the intron before coding-DNA position 739, C replaced by G.
Molecular consequence: intron variant.
Genome position (GRCh38, 1-based): chr16:70,510,030, G>C on the plus strand (C>G on the coding strand, the complement: COG4 is on the minus strand). VCF-style: chr16-70510030-G-C. GRCh37 (hg19) VCF-style: chr16-70543933-G-C.
Other names: c.727-9C>G (NM_001195139.2); c.313-9C>G (NM_001365426.1).
Identifiers: ClinVar variation 320377 (VCV000320377.15), dbSNP rs16970243, ClinGen allele CA8144591.